The following is an entry in ClinVar:

NM_014225.6(PPP2R1A):c.994-4_994-3delinsTT

Gene: PPP2R1A (protein phosphatase 2 scaffold subunit Aalpha; plus strand). Cytogenetic location: 19q13.41.
Variant type: Indel.
Coding change: c.994-4_994-3delinsTT on transcript NM_014225.6 (MANE Select); 4 bases into the intron before coding-DNA position 994 through 3 bases into the intron before coding-DNA position 994, CC replaced by TT.
Molecular consequence: intron variant.
Genome position (GRCh38, 1-based): chr19:52,216,525-52,216,526, CC replaced by TT. VCF-style: chr19-52216525-CC-TT. GRCh37 (hg19) VCF-style: chr19-52719778-CC-TT.
Other names: c.457-4_457-3delinsTT (NM_001363656.2).
Identifiers: ClinVar variation 1362289 (VCV001362289.6), dbSNP rs2122350811, ClinGen allele CA2573156675.
Genomic context (GRCh38, chr19:52,216,525, plus strand): 5'-TGCTTAGCCACTTGCTGCTGCAGGGGTTGCACTGACCCCTGTGCCTGCCTCTTCTCTCTC[CC>TT]AGGAGCTGGTGTCCGATGCCAACCAACATGTCAAGTCTGCCCTGGCCTCAGTCATCATGG-3'

ClinVar aggregate classification (germline): Uncertain significance (1 of 4 stars; one submission).

Submission:

Labcorp Genetics (formerly Invitae), Labcorp
Classification: Uncertain significance. Last evaluated: 2024-02-24. Review status: criteria provided, single submitter. Criteria: Invitae Variant Classification Sherloc (09022015). Collection method: clinical testing. Allele origin: germline.
Comment: This sequence change falls in intron 8 of the PPP2R1A gene. It does not directly change the encoded amino acid sequence of the PPP2R1A protein. It affects a nucleotide within the consensus splice site. Information on the frequency of this variant in the gnomAD database is not available, as this variant may be reported differently in the database. This variant has not been reported in the literature in individuals affected with PPP2R1A-related conditions. ClinVar contains an entry for this variant (Variation ID: 1362289). Variants that disrupt the consensus splice site are a relatively common cause of aberrant splicing (PMID: 17576681, 9536098). In summary, the available evidence is currently insufficient to determine the role of this variant in disease. Therefore, it has been classified as a Variant of Uncertain Significance.

Literature cited by the submitters: PubMed 17576681; PubMed 9536098.